The following is an entry in ClinVar:

ClinVar aggregate classification (germline): Uncertain significance. Review status: criteria provided, multiple submitters, no conflicts (2 of 4 stars). 2 submissions from 2 submitters: Uncertain significance (2). Last evaluated 2025-11-18.

Conditions:
CEP290-related ciliopathy. Also called: CEP290 ciliopathy. Identifiers: MedGen CN305601, MONDO:0100451.
Leber congenital amaurosis 10 (LCA10). Identifiers: Orphanet 65, MedGen C1857821, MONDO:0012723, OMIM 611755.
Meckel syndrome, type 4 (MKS4). Also called: MECKEL-GRUBER SYNDROME, TYPE 4. Identifiers: Orphanet 564, MedGen C1970161, MONDO:0012626, OMIM 611134.
Senior-Loken syndrome 6 (SLSN6). Identifiers: Orphanet 3156, MedGen C1857779, MONDO:0012433, OMIM 610189.
Joubert syndrome 5 (JBTS5). Identifiers: Orphanet 2318, MedGen C1857780, MONDO:0012432, OMIM 610188.
Bardet-Biedl syndrome 14 (BBS14). Identifiers: Orphanet 110, MedGen C2673874, MONDO:0014442, OMIM 615991.

Submissions (2):

Myriad Genetics, Inc.
Classification: Uncertain significance for CEP290-related ciliopathy. Last evaluated: 2025-11-18. Review status: criteria provided, single submitter. Criteria: Myriad Autosomal Dominant, Autosomal Recessive and X-Linked Classification Criteria (2023). Collection method: clinical testing. Allele origin: unknown.
Comment: NM_025114.3(CEP290):c.7222_7224delAAG(K2408del) is an in-frame deletion classified as a variant of uncertain significance in the context of CEP290-related disorders. K2408del has not been observed in cases with relevant disease. Relevant functional assessments of this variant are not available in the literature. K2408del has been observed in referenced population frequency databases. In summary, there is insufficient evidence to classify NM_025114.3(CEP290):c.7222_7224delAAG(K2408del) as pathogenic or benign. Please note: this variant was assessed in the context of healthy population screening.

Fulgent Genetics
Classification: Uncertain significance for Joubert syndrome 5; Senior-Loken syndrome 6; Meckel syndrome, type 4; Leber congenital amaurosis 10; Bardet-Biedl syndrome 14. Last evaluated: 2024-01-18. Review status: criteria provided, single submitter. Criteria: ACMG Guidelines, 2015. Collection method: clinical testing. Allele origin: germline.

NM_025114.4(CEP290):c.7219AAG[1] (p.Lys2408del)

Genes: CEP290 (centrosomal protein 290; minus strand), RLIG1 (RNA 5'-phosphate and 3'-OH ligase 1; plus strand). Cytogenetic location: 12q21.32.
Variant type: Microsatellite.
Coding change: c.7219AAG[1] on transcript NM_025114.4 (MANE Select); one copy of the 3-base unit AAG starting at c.7219; the reference has two copies in a row; one copy, 3 bases deleted; also written c.7222_7224del.
Protein change: p.Lys2408del; deletes lysine 2408.
Molecular consequence: 3 prime UTR variant (on NM_001009894.3).
Genome position (GRCh38, 1-based): chr12:88,049,400-88,049,402, CTT deleted on the plus strand (AAG on the coding strand, the reverse complement: CEP290 is on the minus strand); deleting any 3 consecutive bases within chr12:88,049,400-88,049,405 gives the same sequence; the position shown is the placement nearest the transcript's 3' end. VCF-style (leftmost placement, unchanged base first): chr12-88049399-GCTT-G. GRCh37 (hg19) VCF-style: chr12-88443176-GCTT-G.
Other names: c.*978CTT[1] (NM_001009894.3); c.7222_7224del (NM_025114.4); short protein forms K2408del.
Identifiers: ClinVar variation 3575348 (VCV003575348.2).
Genomic context (GRCh38, chr12:88,049,399, plus strand): 5'-ACTTAAGATCTTCAATTTCTTCAAAAAATGAAGGATCAAAATTTTCCAGTTCTTTTTTCA[GCTT>G]CTTTATTTCCTCCTAATGGAAACATTATCTTTAAAAGTTGCATATAGGAAATATACATAT-3'